The following is an entry in ClinVar:

NM_181672.3(OGT):c.2054C>A (p.Pro685Gln)

Gene: OGT (O-linked N-acetylglucosamine (GlcNAc) transferase; plus strand). Cytogenetic location: Xq13.1.
Variant type: single nucleotide variant.
Coding change: c.2054C>A on transcript NM_181672.3 (MANE Select); coding-DNA position 2054, C replaced by A.
Protein change: p.Pro685Gln; replaces proline 685 with glutamine.
Molecular consequence: missense variant.
Genome position (GRCh38, 1-based): chrX:71,562,923, C>A. VCF-style: chrX-71562923-C-A. GRCh37 (hg19) VCF-style: chrX-70782773-C-A.
Other names: c.2024C>A, p.Pro675Gln (NM_181673.3); short protein forms P675Q, P685Q.
Identifiers: ClinVar variation 4527030 (VCV004527030.1).

ClinVar aggregate classification (germline): Uncertain significance (1 of 4 stars; one submission).

Submission:

GeneDx
Classification: Uncertain significance. Last evaluated: 2025-04-29. Review status: criteria provided, single submitter. Criteria: GeneDx Variant Classification Process June 2021. Collection method: clinical testing. Allele origin: germline. Affected: yes.
Comment: Not observed at significant frequency in large population cohorts (gnomAD); In silico analysis supports that this missense variant has a deleterious effect on protein structure/function; Has not been previously published as pathogenic or benign to our knowledge